The following is an entry in ClinVar:

NM_031942.5(CDCA7):c.785C>G (p.Ser262Ter)

Gene: CDCA7 (cell division cycle associated 7; plus strand). Cytogenetic location: 2q31.1.
Variant type: single nucleotide variant.
Coding change: c.785C>G on transcript NM_031942.5 (MANE Select); coding-DNA position 785, C replaced by G.
Protein change: p.Ser262Ter; replaces serine 262 with a stop codon.
Molecular consequence: nonsense.
Genome position (GRCh38, 1-based): chr2:173,364,880, C>G. VCF-style: chr2-173364880-C-G. GRCh37 (hg19) VCF-style: chr2-174229608-C-G.
Other names: c.548C>G, p.Ser183Ter (NM_145810.3); short protein forms S262*, S183*.
Identifiers: ClinVar variation 1422809 (VCV001422809.6), dbSNP rs2106391563, ClinGen allele CA349328701.
Genomic context (GRCh38, chr2:173,364,880, plus strand): 5'-CATTCCCGGGTGTTGCTTCCAGGAGAAACCCTGAACGGAGAGCTCGTCCTCTTACCAGGT[C>G]AAGGTCCCGGATCCTCGGGTCCCTTGACGCTCTACCCATGGAGGAGGAGGAGGAAGAGGA-3'

ClinVar aggregate classification (germline): Uncertain significance (1 of 4 stars; one submission).

Submission:

Labcorp Genetics (formerly Invitae), Labcorp
Classification: Uncertain significance. Last evaluated: 2020-11-14. Review status: criteria provided, single submitter. Criteria: Invitae Variant Classification Sherloc (09022015). Collection method: clinical testing. Allele origin: germline.
Comment: In summary, the available evidence is currently insufficient to determine the role of this variant in disease. Therefore, it has been classified as a Variant of Uncertain Significance. Experimental studies and prediction algorithms are not available or were not evaluated, and the functional significance of this variant is currently unknown. This variant has not been reported in the literature in individuals with CDCA7-related conditions. This variant is not present in population databases (ExAC no frequency). This sequence change creates a premature translational stop signal (p.Ser262*) in the CDCA7 gene. It is expected to result in an absent or disrupted protein product. However, the current clinical and genetic evidence is not sufficient to establish whether loss-of-function variants in CDCA7 cause disease.